The following is an entry in ClinVar:

ClinVar aggregate classification (germline): Uncertain significance (1 of 4 stars; one submission).

Conditions:
Landau-Kleffner syndrome (FESD). Also called: APHASIA, ACQUIRED, WITH EPILEPSY; EPILEPSY, FOCAL, WITH SPEECH DISORDER AND WITH OR WITHOUT MENTAL RETARDATION. Identifiers: Orphanet 1945, Orphanet 725, Orphanet 98818, MedGen C0282512, MONDO:0009509, OMIM 245570.

Submission:

Labcorp Genetics (formerly Invitae), Labcorp
Classification: Uncertain significance for Landau-Kleffner syndrome. Last evaluated: 2024-10-22. Review status: criteria provided, single submitter. Criteria: Invitae Variant Classification Sherloc (09022015). Collection method: clinical testing. Allele origin: germline.
Comment: This sequence change replaces leucine, which is neutral and non-polar, with proline, which is neutral and non-polar, at codon 725 of the GRIN2A protein (p.Leu725Pro). This variant is not present in population databases (gnomAD no frequency). This variant has not been reported in the literature in individuals affected with GRIN2A-related conditions. ClinVar contains an entry for this variant (Variation ID: 841329). Invitae Evidence Modeling of protein sequence and biophysical properties (such as structural, functional, and spatial information, amino acid conservation, physicochemical variation, residue mobility, and thermodynamic stability) indicates that this missense variant is expected to disrupt GRIN2A protein function with a positive predictive value of 95%. In summary, the available evidence is currently insufficient to determine the role of this variant in disease. Therefore, it has been classified as a Variant of Uncertain Significance.

NM_001134407.3(GRIN2A):c.2174T>C (p.Leu725Pro)

Gene: GRIN2A (glutamate ionotropic receptor NMDA type subunit 2A; minus strand). Cytogenetic location: 16p13.2.
Variant type: single nucleotide variant.
Coding change: c.2174T>C on transcript NM_001134407.3 (MANE Select); coding-DNA position 2174, T replaced by C.
Protein change: p.Leu725Pro; replaces leucine 725 with proline.
Molecular consequence: missense variant.
Genome position (GRCh38, 1-based): chr16:9,798,459, A>G on the plus strand (T>C on the coding strand, the complement: GRIN2A is on the minus strand). VCF-style: chr16-9798459-A-G. GRCh37 (hg19) VCF-style: chr16-9892316-A-G.
Other names: c.2174T>C, p.Leu725Pro (NM_000833.5, NM_001134408.2); short protein forms L725P.
Identifiers: ClinVar variation 841329 (VCV000841329.10), dbSNP rs1903139235, ClinGen allele CA394797338.